The following is an entry in ClinVar:

NM_001001923.1(OR5C1):c.754G>A (p.Val252Met)

Gene: OR5C1 (olfactory receptor family 5 subfamily C member 1; plus strand). Cytogenetic location: 9q33.2.
Variant type: single nucleotide variant.
Coding change: c.754G>A on transcript NM_001001923.1 (MANE Select); coding-DNA position 754, G replaced by A.
Protein change: p.Val252Met; replaces valine 252 with methionine.
Molecular consequence: missense variant.
Genome position (GRCh38, 1-based): chr9:122,789,686, G>A. VCF-style: chr9-122789686-G-A. GRCh37 (hg19) VCF-style: chr9-125551965-G-A.
Other names: short protein forms V252M.
Identifiers: ClinVar variation 2659485 (VCV002659485.24), dbSNP rs146508500, ClinGen allele CA5228096.

ClinVar aggregate classification (germline): Likely benign (1 of 4 stars; one submission).

Allele frequency attached by ClinVar (database versions not stated): gnomAD 0.00156; gnomAD exomes 0.00162; ExAC 0.00167; ESP Exome Variant Server 0.00131; 1000 Genomes Project 30x 0.00172; TOPMed 0.00173; 1000 Genomes Project 0.00200.

Submission:

CeGaT Center for Human Genetics Tuebingen
Classification: Likely benign. Last evaluated: 2023-04-01. Review status: criteria provided, single submitter. Criteria: CeGaT Center For Human Genetics Tuebingen Variant Classification Criteria Version 2. Collection method: clinical testing. Allele origin: germline. Affected: yes. Observed: 1 variant allele.
Comment: OR5C1: BP4, BS2